The following is an entry in ClinVar:

ClinVar aggregate classification (germline): Uncertain significance (1 of 4 stars; one submission).

Conditions:
Hereditary cancer-predisposing syndrome. Also called: Hereditary neoplastic syndrome; Neoplastic Syndromes, Hereditary; Tumor predisposition; Hereditary Cancer Syndrome. Identifiers: Orphanet 140162, MedGen C0027672, MeSH D009386, MONDO:0015356.

gnomAD v4.1: 1 of 1,613,774 alleles (0.000062%); highest among the groups gnomAD compares: Non-Finnish European, 0.000085%; no homozygotes.

Submission:

Ambry Genetics
Classification: Uncertain significance for Hereditary cancer-predisposing syndrome. Last evaluated: 2024-12-29. Review status: criteria provided, single submitter. Criteria: Ambry Variant Classification Scheme 2023. Collection method: clinical testing. Allele origin: germline.
Comment: The p.E172V variant (also known as c.515A>T), located in coding exon 1 of the ALK gene, results from an A to T substitution at nucleotide position 515. The glutamic acid at codon 172 is replaced by valine, an amino acid with dissimilar properties. This amino acid position is conserved. In addition, the in silico prediction for this alteration is inconclusive. Based on the available evidence, the clinical significance of this variant remains unclear.

NM_004304.5(ALK):c.515A>T (p.Glu172Val)

Gene: ALK (ALK receptor tyrosine kinase; minus strand). Cytogenetic location: 2p23.1.
Variant type: single nucleotide variant.
Coding change: c.515A>T on transcript NM_004304.5 (MANE Select); coding-DNA position 515, A replaced by T.
Protein change: p.Glu172Val; replaces glutamic acid 172 with valine.
Molecular consequence: missense variant.
Genome position (GRCh38, 1-based): chr2:29,920,145, T>A on the plus strand (A>T on the coding strand, the complement: ALK is on the minus strand). VCF-style: chr2-29920145-T-A. GRCh37 (hg19) VCF-style: chr2-30143011-T-A.
Other names: short protein forms E172V.
Identifiers: ClinVar variation 3855106 (VCV003855106.1).
Genomic context (GRCh38, chr2:29,920,145, plus strand): 5'-TCGGGCATCAGGCGGATCCTCAGTCGCCCTTCGCCTTGGCGAATCCACCAACTGAACAGC[T>A]CGCTGAGATTGAACTGGAGCAGCCCCACAGCCGCCTCCCCGGGGGGCCCGACGCAACCCT-3'
Protein context (NP_004295.2, residues 162-182): AVGLLQFNLS[Glu172Val]LFSWWIRQGE